The following is an entry in ClinVar:

NM_022828.5(YTHDC2):c.3843G>A (p.Ser1281=)

Gene: YTHDC2 (YTH N6-methyladenosine RNA binding protein C2; plus strand). Cytogenetic location: 5q22.2.
Variant type: single nucleotide variant.
Coding change: c.3843G>A on transcript NM_022828.5 (MANE Select); coding-DNA position 3843, G replaced by A.
Protein change: p.Ser1281=; no amino-acid change (serine 1281 retained).
Molecular consequence: synonymous variant.
Genome position (GRCh38, 1-based): chr5:113,591,058, G>A. VCF-style: chr5-113591058-G-A. GRCh37 (hg19) VCF-style: chr5-112926755-G-A.
Other names: c.3357G>A, p.Ser1119= (NM_001345975.2); c.2943G>A, p.Ser981= (NM_001345976.2).
Identifiers: ClinVar variation 3057200 (VCV003057200.2), dbSNP rs2303718, ClinGen allele CA3372587.
Genomic context (GRCh38, chr5:113,591,058, plus strand): 5'-AAAGGTCAGGTTACCTTTCAAGAACTTATGTTTTCTTTTATAGGGCTCAAAATCTCCTTC[G>A]CCAAGACCAAACATGCCTGTTCGATACTTCATAATGAAGAGTAGCAATTTGAGAAACCTT-3'
Protein context (NP_073739.3, residues 1271-1291): PSSGKGSKSP[Ser1281=]PRPNMPVRYF

ClinVar aggregate classification (germline): Benign (0 of 4 stars; one submission).

Conditions:
YTHDC2-related disorder. Also called: YTHDC2-related condition.

Allele frequency attached by ClinVar (database versions not stated): gnomAD exomes 0.05659; ExAC 0.07593; gnomAD 0.11690; ESP Exome Variant Server 0.12427; TOPMed 0.12612; 1000 Genomes Project 0.13039; 1000 Genomes Project 30x 0.13351.
gnomAD v4.1: 101,222 of 1,613,206 alleles (6.3%); highest among the groups gnomAD compares: African/African-American, 28%; 5,307 homozygotes.

Submission:

PreventionGenetics, part of Exact Sciences
Classification: Benign for YTHDC2-related condition. Last evaluated: 2019-12-03. Review status: no assertion criteria provided. Collection method: clinical testing. Allele origin: germline.
Comment: This variant is classified as benign based on ACMG/AMP sequence variant interpretation guidelines (Richards et al. 2015 PMID: 25741868, with internal and published modifications).